The following is an entry in ClinVar:

NM_001100913.3(PACS2):c.1813G>A (p.Val605Met)

Gene: PACS2 (phosphofurin acidic cluster sorting protein 2; plus strand). Cytogenetic location: 14q32.33.
Variant type: single nucleotide variant.
Coding change: c.1813G>A on transcript NM_001100913.3 (MANE Select); coding-DNA position 1813, G replaced by A.
Protein change: p.Val605Met; replaces valine 605 with methionine.
Molecular consequence: missense variant.
Genome position (GRCh38, 1-based): chr14:105,384,385, G>A. VCF-style: chr14-105384385-G-A. GRCh37 (hg19) VCF-style: chr14-105850722-G-A.
Other names: c.1576G>A, p.Val526Met (NM_001243127.3); c.1801G>A, p.Val601Met (NM_015197.4); c.1813G>A (NM_001100913.2); short protein forms V601M, V526M, V605M.
Identifiers: ClinVar variation 1512419 (VCV001512419.9), dbSNP rs782312228, ClinGen allele CA7389009.

ClinVar aggregate classification (germline): Uncertain significance. Review status: criteria provided, multiple submitters, no conflicts (2 of 4 stars). 3 submissions from 3 submitters: Uncertain significance (3). Last evaluated 2025-03-10.

Conditions:
Developmental and epileptic encephalopathy, 66. Also called: EPILEPTIC ENCEPHALOPATHY, EARLY INFANTILE, 66. Identifiers: MedGen C4748070, MONDO:0054845, OMIM 618067.
Inborn genetic diseases. Identifiers: MedGen C0950123, MeSH D030342.

Allele frequency attached by ClinVar (database versions not stated): gnomAD exomes 0.00001; TOPMed 0.00001; ExAC 0.00002.
gnomAD v4.1: 23 of 1,612,050 alleles (0.0014%); highest among the groups gnomAD compares: South Asian, 0.015%; no homozygotes.

Submissions (3):

Labcorp Genetics (formerly Invitae), Labcorp
Classification: Uncertain significance. Last evaluated: 2025-03-10. Review status: criteria provided, single submitter. Criteria: Invitae Variant Classification Sherloc (09022015). Collection method: clinical testing. Allele origin: germline.
Comment: This sequence change replaces valine, which is neutral and non-polar, with methionine, which is neutral and non-polar, at codon 605 of the PACS2 protein (p.Val605Met). The frequency data for this variant in the population databases is considered unreliable, as metrics indicate poor data quality at this position in the gnomAD database. This variant has not been reported in the literature in individuals affected with PACS2-related conditions. ClinVar contains an entry for this variant (Variation ID: 1512419). Invitae Evidence Modeling of protein sequence and biophysical properties (such as structural, functional, and spatial information, amino acid conservation, physicochemical variation, residue mobility, and thermodynamic stability) indicates that this missense variant is not expected to disrupt PACS2 protein function with a negative predictive value of 80%. In summary, the available evidence is currently insufficient to determine the role of this variant in disease. Therefore, it has been classified as a Variant of Uncertain Significance.

Ambry Genetics
Classification: Uncertain significance for Inborn genetic diseases. Last evaluated: 2024-08-20. Review status: criteria provided, single submitter. Criteria: Ambry Variant Classification Scheme 2023. Collection method: clinical testing. Allele origin: germline.

Neuberg Centre For Genomic Medicine, NCGM
Classification: Uncertain significance for Developmental and epileptic encephalopathy, 66. Last evaluated: 2023-05-20. Review status: criteria provided, single submitter. Criteria: ACMG Guidelines, 2015. Collection method: clinical testing. Allele origin: germline. Inheritance: Autosomal dominant inheritance. Affected: yes.
Comment: The observed missense variant c.1813G>A(p.Val605Met) in PACS2 gene has not been reported previously as a pathogenic variant nor as a benign variant, to our knowledge. The c.1813G>A variant has 0.001% allele frequency in gnomAD Exomes. This variant has been submitted to the ClinVar database as Uncertain Significance. However, no details are available for independent assessment.The amino acid Valine at position 605 is changed to a Methionine changing protein sequence and it might alter its composition and physico-chemical properties. Computational evidence (Polyphen, SIFT and Mutation Taster) predicts conflicting evidence on protein structure and function for this variant.The amino acid change p.Val605Met in PACS2 is predicted as conserved by GERP++ and PhyloP across 100 vertebrates. For these reasons, this variant has been classified as Uncertain Significance.